The following is an entry in ClinVar:

NM_000254.3(MTR):c.3037G>A (p.Ala1013Thr)

Gene: MTR (5-methyltetrahydrofolate-homocysteine methyltransferase; plus strand). Cytogenetic location: 1q43.
Variant type: single nucleotide variant.
Coding change: c.3037G>A on transcript NM_000254.3 (MANE Select); coding-DNA position 3037, G replaced by A.
Protein change: p.Ala1013Thr; replaces alanine 1013 with threonine.
Molecular consequence: missense variant.
Genome position (GRCh38, 1-based): chr1:236,891,162, G>A. VCF-style: chr1-236891162-G-A. GRCh37 (hg19) VCF-style: chr1-237054462-G-A.
Other names: c.2884G>A, p.Ala962Thr (NM_001291939.1); c.1816G>A, p.Ala606Thr (NM_001291940.2); short protein forms A962T, A1013T, A606T.
Identifiers: ClinVar variation 1486192 (VCV001486192.6), dbSNP rs1474412109, ClinGen allele CA345386859.
Genomic context (GRCh38, chr1:236,891,162, plus strand): 5'-TAAGTGAATTCTAATTCTGTTTTTCTAATAGGTGGAGAGGCCAGGAAGGTCTACGATGAT[G>A]CCCACAATATGCTGAACACACTGATTAGTCAAAAGAAACTCCGGGCCCGGGGTGTGGTTG-3'
Protein context (NP_000245.2, residues 1003-1023): GGEARKVYDD[Ala1013Thr]HNMLNTLISQ

ClinVar aggregate classification (germline): Uncertain significance (1 of 4 stars; one submission).

Conditions:
Methylcobalamin deficiency type cblG (HMAG). Also called: HOMOCYSTINURIA-MEGALOBLASTIC ANEMIA, cblG TYPE; HOMOCYSTINURIA-MEGALOBLASTIC ANEMIA, cblG COMPLEMENTATION TYPE; Functional methionine synthase deficiency type cblG; HOMOCYSTINURIA-MEGALOBLASTIC ANEMIA DUE TO DEFECT IN COBALAMIN METABOLISM, cblG COMPLEMENTATION TYPE. Identifiers: Orphanet 2170, Orphanet 622, MedGen C1855128, MONDO:0009609, OMIM 250940.

Allele frequency attached by ClinVar (database versions not stated): gnomAD 0.00001; gnomAD exomes 0.00001; TOPMed 0.00002.
gnomAD v4.1: 11 of 1,614,034 alleles (0.00068%); highest among the groups gnomAD compares: Admixed American, 0.0017%; no homozygotes.

Submission:

Labcorp Genetics (formerly Invitae), Labcorp
Classification: Uncertain significance for Methylcobalamin deficiency type cblG. Last evaluated: 2022-08-16. Review status: criteria provided, single submitter. Criteria: Invitae Variant Classification Sherloc (09022015). Collection method: clinical testing. Allele origin: germline.
Comment: Algorithms developed to predict the effect of missense changes on protein structure and function are either unavailable or do not agree on the potential impact of this missense change (SIFT: "Deleterious"; PolyPhen-2: "Benign"; Align-GVGD: "Class C0"). ClinVar contains an entry for this variant (Variation ID: 1486192). This variant has not been reported in the literature in individuals affected with MTR-related conditions. This variant is not present in population databases (gnomAD no frequency). This sequence change replaces alanine, which is neutral and non-polar, with threonine, which is neutral and polar, at codon 1013 of the MTR protein (p.Ala1013Thr). In summary, the available evidence is currently insufficient to determine the role of this variant in disease. Therefore, it has been classified as a Variant of Uncertain Significance.